The following is an entry in ClinVar:

ClinVar aggregate classification (germline): Likely benign (1 of 4 stars; one submission).

Conditions:
ZFHX3-related disorder. Also called: ZFHX3-related condition.

Submission:

PreventionGenetics, part of Exact Sciences
Classification: Likely benign for ZFHX3-related condition. Last evaluated: 2024-12-17. Review status: criteria provided, single submitter. Criteria: ACMG Guidelines, 2015. Collection method: clinical testing. Allele origin: germline.
Comment: This variant is classified as likely benign based on ACMG/AMP sequence variant interpretation guidelines (Richards et al. 2015 PMID: 25741868, with internal and published modifications).

NM_006885.4(ZFHX3):c.5184_5195del (p.Gln1738_Gln1741del)

Genes: ZFHX3 (zinc finger homeobox 3; minus strand), ZFHX3-AS1 (ZFHX3 antisense RNA 1; plus strand). Cytogenetic location: 16q22.2.
Variant type: Deletion.
Coding change: c.5184_5195del on transcript NM_006885.4 (MANE Select); coding-DNA positions 5184 to 5195, 12 bases deleted (GCAGCAACAGCA).
Protein change: p.Gln1738_Gln1741del.
Molecular consequence: inframe deletion.
Genome position (GRCh38, 1-based): chr16:72,797,487-72,797,498, TGCTGTTGCTGC deleted on the plus strand (GCAGCAACAGCA on the coding strand, the reverse complement: ZFHX3 is on the minus strand); deleting any 12 consecutive bases within chr16:72,797,487-72,797,506 gives the same sequence; the c. name uses the placement nearest the transcript's 3' end. VCF-style (leftmost placement, unchanged base first): chr16-72797486-TTGCTGTTGCTGC-T. GRCh37 (hg19) VCF-style: chr16-72831385-TTGCTGTTGCTGC-T.
Other names: c.2442_2453del, p.Gln824_Gln827del (NM_001164766.2); c.5184_5195del, p.Gln1738_Gln1741del (NM_001386735.1).
Identifiers: ClinVar variation 4985980 (VCV004985980.1).